The following is an entry in ClinVar:

ClinVar aggregate classification (germline): Uncertain significance. Review status: criteria provided, multiple submitters, no conflicts (2 of 4 stars). 4 submissions from 4 submitters: Uncertain significance (4). Last evaluated 2025-06-11.

Conditions:
Rhabdoid tumor predisposition syndrome 2 (RTPS2). Identifiers: Orphanet 231108, Orphanet 69077, MedGen C2750074, MONDO:0013224, OMIM 613325.
Hereditary cancer-predisposing syndrome. Also called: Tumor predisposition; Hereditary neoplastic syndrome; Hereditary Cancer Syndrome; Neoplastic Syndromes, Hereditary. Identifiers: Orphanet 140162, MedGen C0027672, MeSH D009386, MONDO:0015356.
Intellectual disability, autosomal dominant 16 (CSS4). Also called: COFFIN-SIRIS SYNDROME 4. Identifiers: Orphanet 1465, MedGen C3553249, MONDO:0013821, OMIM 614609.

Allele frequency attached by ClinVar (database versions not stated): TOPMed below 0.00001; gnomAD exomes 0.00001.
gnomAD v4.1: 5 of 1,614,084 alleles (0.00031%); highest among the groups gnomAD compares: Non-Finnish European, 0.00042%; no homozygotes.

Submissions (4):

Labcorp Genetics (formerly Invitae), Labcorp
Classification: Uncertain significance for Rhabdoid tumor predisposition syndrome 2. Last evaluated: 2025-06-11. Review status: criteria provided, single submitter. Criteria: Invitae Variant Classification Sherloc (09022015). Collection method: clinical testing. Allele origin: germline.
Comment: This sequence change replaces serine, which is neutral and polar, with phenylalanine, which is neutral and non-polar, at codon 655 of the SMARCA4 protein (p.Ser655Phe). This variant is not present in population databases (gnomAD no frequency). This variant has not been reported in the literature in individuals affected with SMARCA4-related conditions. ClinVar contains an entry for this variant (Variation ID: 480603). Invitae Evidence Modeling of protein sequence and biophysical properties (such as structural, functional, and spatial information, amino acid conservation, physicochemical variation, residue mobility, and thermodynamic stability) has been performed for this missense variant. However, the output from this modeling did not meet the statistical confidence thresholds required to predict the impact of this variant on SMARCA4 protein function. In summary, the available evidence is currently insufficient to determine the role of this variant in disease. Therefore, it has been classified as a Variant of Uncertain Significance.

GeneDx
Classification: Uncertain significance. Last evaluated: 2024-09-05. Review status: criteria provided, single submitter. Criteria: GeneDx Variant Classification Process June 2021. Collection method: clinical testing. Allele origin: germline.
Comment: Not observed at significant frequency in large population cohorts (gnomAD); In silico analysis supports that this missense variant has a deleterious effect on protein structure/function; Has not been previously published as pathogenic or benign to our knowledge; This variant is associated with the following publications: (PMID: 24658002)

Ambry Genetics
Classification: Uncertain significance for Hereditary cancer-predisposing syndrome. Last evaluated: 2024-08-12. Review status: criteria provided, single submitter. Criteria: Ambry Variant Classification Scheme 2023. Collection method: clinical testing. Allele origin: germline.
Comment: The p.S655F variant (also known as c.1964C>T), located in coding exon 12 of the SMARCA4 gene, results from a C to T substitution at nucleotide position 1964. The serine at codon 655 is replaced by phenylalanine, an amino acid with highly dissimilar properties. This variant has been detected in multiple individuals with no reported features of SMARCA4-associated Coffin-Siris syndrome (Ambry internal data). This amino acid position is highly conserved in available vertebrate species. In addition, the in silico prediction for this alteration is inconclusive. Based on the supporting evidence, the association of this alteration with rhabdoid tumor predisposition syndrome is unknown; however, the association of this alteration with Coffin-Siris syndrome is unlikely.

Genome-Nilou Lab
Classification: Uncertain significance for Intellectual disability, autosomal dominant 16. Last evaluated: 2021-07-15. Review status: criteria provided, single submitter. Criteria: ACMG Guidelines, 2015. Collection method: clinical testing. Allele origin: germline. Affected: no.

NM_003072.5(SMARCA4):c.1964C>T (p.Ser655Phe)

Gene: SMARCA4 (SWI/SNF related BAF chromatin remodeling complex subunit ATPase 4; plus strand). Cytogenetic location: 19p13.2.
Variant type: single nucleotide variant.
Coding change: c.1964C>T on transcript NM_003072.5 (MANE Select); coding-DNA position 1964, C replaced by T.
Protein change: p.Ser655Phe; replaces serine 655 with phenylalanine.
Molecular consequence: missense variant. On other transcripts: non-coding transcript variant (1).
Genome position (GRCh38, 1-based): chr19:11,003,360, C>T. VCF-style: chr19-11003360-C-T. GRCh37 (hg19) VCF-style: chr19-11114036-C-T.
Other names: c.1964C>T, p.Ser655Phe (NM_001128844.3, NM_001128845.2, NM_001128846.2 and 5 more transcripts); short protein forms S655F.
Identifiers: ClinVar variation 480603 (VCV000480603.17), dbSNP rs1555768701, ClinGen allele CA404052112.